The following is an entry in ClinVar:

NM_003036.4(SKI):c.655C>T (p.Arg219Cys)

Gene: SKI (SKI proto-oncogene; plus strand). Cytogenetic location: 1p36.33.
Variant type: single nucleotide variant.
Coding change: c.655C>T on transcript NM_003036.4 (MANE Select); coding-DNA position 655, C replaced by T.
Protein change: p.Arg219Cys; replaces arginine 219 with cysteine.
Molecular consequence: missense variant.
Genome position (GRCh38, 1-based): chr1:2,229,421, C>T. VCF-style: chr1-2229421-C-T. GRCh37 (hg19) VCF-style: chr1-2160860-C-T.
Other names: c.655C>T (NM_003036.3); short protein forms R219C.
Identifiers: ClinVar variation 1481778 (VCV001481778.7), dbSNP rs1226163559, ClinGen allele CA337954534.

ClinVar aggregate classification (germline): Uncertain significance. Review status: criteria provided, multiple submitters, no conflicts (2 of 4 stars). 2 submissions from 2 submitters: Uncertain significance (2). Last evaluated 2024-04-07.

Conditions:
Shprintzen-Goldberg syndrome (SGS). Also called: Marfanoid disorder with craniosynostosis type 1; Marfanoid craniosynostosis syndrome; Shprintzen-Goldberg marfanoid syndrome; SHPRINTZEN-GOLDBERG CRANIOSYNOSTOSIS SYNDROME; CRANIOSYNOSTOSIS WITH ARACHNODACTYLY AND ABDOMINAL HERNIAS. Identifiers: Orphanet 2462, MedGen C1321551, MONDO:0008426, OMIM 182212.
Familial thoracic aortic aneurysm and aortic dissection (TAAD). Also called: Thoracic aortic aneurysms and dissections. Identifiers: Orphanet 91387, MedGen C4707243, MONDO:0019625.

gnomAD v4.1: 2 of 1,611,078 alleles (0.00012%); highest among the groups gnomAD compares: South Asian, 0.0011%; no homozygotes.

Submissions (2):

Ambry Genetics
Classification: Uncertain significance for Familial thoracic aortic aneurysm and aortic dissection. Last evaluated: 2024-04-07. Review status: criteria provided, single submitter. Criteria: Ambry Variant Classification Scheme 2023. Collection method: clinical testing. Allele origin: germline.
Comment: The p.R219C variant (also known as c.655C>T), located in coding exon 1 of the SKI gene, results from a C to T substitution at nucleotide position 655. The arginine at codon 219 is replaced by cysteine, an amino acid with highly dissimilar properties. This amino acid position is conserved. In addition, the in silico prediction for this alteration is inconclusive. Based on the available evidence, the clinical significance of this variant remains unclear.

Labcorp Genetics (formerly Invitae), Labcorp
Classification: Uncertain significance for Shprintzen-Goldberg syndrome. Last evaluated: 2023-10-04. Review status: criteria provided, single submitter. Criteria: Invitae Variant Classification Sherloc (09022015). Collection method: clinical testing. Allele origin: germline.
Comment: This sequence change replaces arginine, which is basic and polar, with cysteine, which is neutral and slightly polar, at codon 219 of the SKI protein (p.Arg219Cys). This variant is not present in population databases (gnomAD no frequency). This variant has not been reported in the literature in individuals affected with SKI-related conditions. ClinVar contains an entry for this variant (Variation ID: 1481778). Advanced modeling of protein sequence and biophysical properties (such as structural, functional, and spatial information, amino acid conservation, physicochemical variation, residue mobility, and thermodynamic stability) performed at Invitae indicates that this missense variant is expected to disrupt SKI protein function. In summary, the available evidence is currently insufficient to determine the role of this variant in disease. Therefore, it has been classified as a Variant of Uncertain Significance.